The following is an entry in ClinVar:

NM_000132.4(F8):c.5953C>G (p.Arg1985Gly)

Gene: F8 (coagulation factor VIII; minus strand). Cytogenetic location: Xq28.
Variant type: single nucleotide variant.
Coding change: c.5953C>G on transcript NM_000132.4 (MANE Select); coding-DNA position 5953, C replaced by G.
Protein change: p.Arg1985Gly; replaces arginine 1985 with glycine.
Molecular consequence: missense variant.
Genome position (GRCh38, 1-based): chrX:154,903,951, G>C on the plus strand (C>G on the coding strand, the complement: F8 is on the minus strand). VCF-style: chrX-154903951-G-C. GRCh37 (hg19) VCF-style: chrX-154132226-G-C.
Other names: short protein forms R1985G.
Identifiers: ClinVar variation 4081670 (VCV004081670.1).
Genomic context (GRCh38, chrX:154,903,951, plus strand): 5'-CAAACAAGCTCATACCTGGATAGAGATTGTACAGTGCCATTTTATACTCCTCTTTTTTTC[G>C]TACAGTGAACACATGTCCACTGAAATGAATAGAATGGATGTTTTCATTGCTGCCCATGCT-3'
Protein context (NP_000123.1, residues 1975-1995): IHFSGHVFTV[Arg1985Gly]KKEEYKMALY

ClinVar aggregate classification (germline): Likely pathogenic (1 of 4 stars; one submission).

Conditions:
Hereditary factor VIII deficiency disease (HEMA). Also called: HEMOPHILIA, CLASSIC; AUTOSOMAL HEMOPHILIA A; Hemophilia A; Hemophilia A, congenital; HEM A; Factor 8 deficiency, congenital. Identifiers: Orphanet 98878, MedGen C0019069, MONDO:0010602, OMIM 306700.

Submission:

Myriad Genetics, Inc.
Classification: Likely pathogenic for Hereditary factor VIII deficiency disease. Last evaluated: 2025-05-15. Review status: criteria provided, single submitter. Criteria: Myriad Autosomal Dominant, Autosomal Recessive and X-Linked Classification Criteria (2023). Collection method: clinical testing. Allele origin: unknown.
Comment: NM_000132.3(F8):c.5953C>G(R1985G) is a missense variant classified as likely pathogenic in the context of hemophilia A. R1985G has been observed in cases with relevant disease (PMID: 29296726, Okoye_2017_Poster). Relevant functional assessments of this variant are not available in the literature. R1985G has not been observed in referenced population frequency databases. In summary, NM_000132.3(F8):c.5953C>G(R1985G) is a missense variant that has internal structural support for pathogenicity and has been observed more frequently in cases with the relevant disease than in healthy populations. Please note: this variant was assessed in the context of healthy population screening.